The following is an entry in ClinVar:

ClinVar aggregate classification (germline): Uncertain significance (1 of 4 stars; one submission).

Conditions:
Neurofibromatosis, type 1 (NF1). Also called: VON RECKLINGHAUSEN DISEASE; NEUROFIBROMATOSIS, TYPE I, SOMATIC; Peripheral type neurofibromatosis; Neurofibromatosis, type I. Identifiers: Orphanet 636, MedGen C0027831, MONDO:0018975, OMIM 162200. Disease mechanism: loss of function.

Submission:

Labcorp Genetics (formerly Invitae), Labcorp
Classification: Uncertain significance for Neurofibromatosis, type 1. Last evaluated: 2022-10-13. Review status: criteria provided, single submitter. Criteria: Invitae Variant Classification Sherloc (09022015). Collection method: clinical testing. Allele origin: germline.
Comment: In summary, the available evidence is currently insufficient to determine the role of this variant in disease. Therefore, it has been classified as a Variant of Uncertain Significance. Advanced modeling of protein sequence and biophysical properties (such as structural, functional, and spatial information, amino acid conservation, physicochemical variation, residue mobility, and thermodynamic stability) performed at Invitae indicates that this missense variant is not expected to disrupt NF1 protein function. ClinVar contains an entry for this variant (Variation ID: 660382). This missense change has been observed in individual(s) with clinical features of neurofibromatosis type 1 (PMID: 25074460). This variant is not present in population databases (gnomAD no frequency). This sequence change replaces asparagine, which is neutral and polar, with serine, which is neutral and polar, at codon 1472 of the NF1 protein (p.Asn1472Ser).

Literature cited by the submitters: PubMed 25074460.

NM_001042492.3(NF1):c.4478A>G (p.Asn1493Ser)

Gene: NF1 (neurofibromin 1; plus strand). Cytogenetic location: 17q11.2.
Variant type: single nucleotide variant.
Coding change: c.4478A>G on transcript NM_001042492.3 (MANE Select); coding-DNA position 4478, A replaced by G.
Protein change: p.Asn1493Ser; replaces asparagine 1493 with serine.
Molecular consequence: missense variant.
Genome position (GRCh38, 1-based): chr17:31,260,416, A>G. VCF-style: chr17-31260416-A-G. GRCh37 (hg19) VCF-style: chr17-29587434-A-G.
Other names: c.4415A>G, p.Asn1472Ser (NM_000267.4); short protein forms N1493S, N1472S.
Identifiers: ClinVar variation 660382 (VCV000660382.5), dbSNP rs1597746976, ClinGen allele CA398999387.